The following is an entry in ClinVar:

ClinVar aggregate classification (germline): Uncertain significance (1 of 4 stars; one submission).

Allele frequency attached by ClinVar (database versions not stated): TOPMed below 0.00001.

Submission:

GeneDx
Classification: Uncertain significance. Last evaluated: 2025-09-01. Review status: criteria provided, single submitter. Criteria: GeneDx Variant Classification Process June 2021. Collection method: clinical testing. Allele origin: germline.
Comment: Not observed at significant frequency in large population cohorts (gnomAD); In silico analysis supports that this missense variant has a deleterious effect on protein structure/function; Has not been previously published as pathogenic or benign to our knowledge

NM_018122.5(DARS2):c.1744G>A (p.Ala582Thr)

Gene: DARS2 (aspartyl-tRNA synthetase 2, mitochondrial; plus strand). Cytogenetic location: 1q25.1.
Variant type: single nucleotide variant.
Coding change: c.1744G>A on transcript NM_018122.5 (MANE Select); coding-DNA position 1744, G replaced by A.
Protein change: p.Ala582Thr; replaces alanine 582 with threonine.
Molecular consequence: missense variant.
Genome position (GRCh38, 1-based): chr1:173,856,735, G>A. VCF-style: chr1-173856735-G-A. GRCh37 (hg19) VCF-style: chr1-173825873-G-A.
Other names: c.1591G>A, p.Ala531Thr (NM_001365212.1); short protein forms A531T, A582T.
Identifiers: ClinVar variation 2503187 (VCV002503187.2), dbSNP rs1653872331, ClinGen allele CA343767524.